The following is an entry in ClinVar:

NM_024529.5(CDC73):c.631del (p.Arg211fs)

Gene: CDC73 (cell division cycle 73; plus strand). Cytogenetic location: 1q31.2.
Variant type: Deletion.
Coding change: c.631del on transcript NM_024529.5 (MANE Select); coding-DNA position 631, one base deleted (A; older notation c.631delA).
Protein change: p.Arg211fs; shifts the reading frame from arginine 211.
Molecular consequence: frameshift variant.
Genome position (GRCh38, 1-based): chr1:193,141,968, A deleted. VCF-style (leftmost placement, unchanged base first): chr1-193141967-GA-G. GRCh37 (hg19) VCF-style: chr1-193111097-GA-G.
Other names: short protein forms R211fs.
Identifiers: ClinVar variation 4713869 (VCV004713869.1).
Genomic context (GRCh38, chr1:193,141,967, plus strand): 5'-GGCTAAGAAAAGATCTACTATCAAGACTGATCTAGATGATGACATAACTGCCCTTAAACA[GA>G]GGAGTTTTGTGGATGCTGAGGTAGATGTGACCCGAGATATTGTCAGCAGAGAGAGAGTAT-3'

ClinVar aggregate classification (germline): Pathogenic (1 of 4 stars; one submission).

Conditions:
Parathyroid carcinoma (PRTC). Also called: CDC73-Related Parathyroid Carcinoma; Parathyroid gland carcinoma. Identifiers: Orphanet 143, MedGen C0687150, MONDO:0012004, OMIM 608266, HP:0006780.

Submission:

Labcorp Genetics (formerly Invitae), Labcorp
Classification: Pathogenic for Parathyroid carcinoma. Last evaluated: 2025-02-26. Review status: criteria provided, single submitter. Criteria: Invitae Variant Classification Sherloc (09022015). Collection method: clinical testing. Allele origin: germline.
Comment: This sequence change creates a premature translational stop signal (p.Arg211Glyfs*8) in the CDC73 gene. It is expected to result in an absent or disrupted protein product. Loss-of-function variants in CDC73 are known to be pathogenic (PMID: 12434154). This variant is not present in population databases (gnomAD no frequency). This variant has not been reported in the literature in individuals affected with CDC73-related conditions. Algorithms developed to predict the effect of sequence changes on RNA splicing suggest that this variant may disrupt the consensus splice site. For these reasons, this variant has been classified as Pathogenic.

Literature cited by the submitters: PubMed 12434154.